The following is an entry in ClinVar:

ClinVar aggregate classification (germline): Pathogenic (1 of 4 stars; one submission).

Conditions:
Adams-Oliver syndrome 5 (AOS5). Identifiers: Orphanet 974, MedGen C4014970, MONDO:0014459, OMIM 616028.

Submission:

Labcorp Genetics (formerly Invitae), Labcorp
Classification: Pathogenic for Adams-Oliver syndrome 5. Last evaluated: 2023-10-05. Review status: criteria provided, single submitter. Criteria: Invitae Variant Classification Sherloc (09022015). Collection method: clinical testing. Allele origin: unknown.
Comment: This variant is a gross deletion of the genomic region encompassing exon(s) 1-2 of the NOTCH1 gene, which includes the initiator codon. This deletion extends beyond the assayed region for this gene and therefore may encompass additional genes. It is expected to result in an absent or disrupted protein product. Loss-of-function variants in NOTCH1 are known to be pathogenic (PMID: 16025100, 21457232, 25132448, 25963545). This variant has not been reported in the literature in individuals affected with NOTCH1-related conditions. Experimental studies and prediction algorithms are not available or were not evaluated, and the functional significance of this variant is currently unknown. For these reasons, this variant has been classified as Pathogenic.

Literature cited by the submitters: PubMed 16025100; PubMed 21457232; PubMed 25132448; PubMed 25963545.

NC_000009.11:g.(?_139438456)_(139440238_?)del

Gene: NOTCH1 (notch receptor 1; minus strand). Cytogenetic location: 9q34.3.
Variant type: Deletion.
Identifiers: ClinVar variation 3245276 (VCV003245276.1).